The following is an entry in ClinVar:

ClinVar aggregate classification (germline): Likely pathogenic (1 of 4 stars; one submission).

Conditions:
Focal segmental glomerulosclerosis 3, susceptibility to (FSGS3). Identifiers: Orphanet 656, MedGen C1842982, MONDO:0011917, OMIM 607832.

Submission:

3billion
Classification: Likely pathogenic for Focal segmental glomerulosclerosis 3, susceptibility to. Last evaluated: 2024-10-07. Review status: criteria provided, single submitter. Criteria: ACMG Guidelines, 2015. Collection method: clinical testing. Allele origin: germline. Affected: yes.
Comment: The variant is not observed in the gnomAD v4.1.0 dataset. Predicted Consequence/Location: Frameshift: predicted to result in a loss or disruption of normal protein function through nonsense-mediated decay (NMD) or protein truncation. Multiple pathogenic variants are reported downstream of the variant. Therefore, this variant is classified as Likely pathogenic according to the recommendation of ACMG/AMP guideline.

NM_012120.3(CD2AP):c.330_334del (p.Arg111fs)

Gene: CD2AP (CD2 associated protein; plus strand). Cytogenetic location: 6p12.3.
Variant type: Deletion.
Coding change: c.330_334del on transcript NM_012120.3 (MANE Select); coding-DNA positions 330 to 334, 5 bases deleted (GCGTC; older notation c.330_334delGCGTC).
Protein change: p.Arg111fs; shifts the reading frame from arginine 111.
Molecular consequence: frameshift variant.
Genome position (GRCh38, 1-based): chr6:47,544,616-47,544,620, GCGTC deleted. VCF-style (leftmost placement, unchanged base first): chr6-47544615-AGCGTC-A. GRCh37 (hg19) VCF-style: chr6-47512351-AGCGTC-A.
Other names: short protein forms R111fs.
Identifiers: ClinVar variation 4292755 (VCV004292755.1).
Genomic context (GRCh38, chr6:47,544,615, plus strand): 5'-TTTAAAAATGATCATTCTTAATCTAATTTCTTATTATGTTACTTTCTTTAGAGACCAAGA[AGCGTC>A]AGTGTAAAGTTCTTTTTGAGTACATTCCACAAAATGAGGATGAACTGGAGCTGAAAGTGG-3'